The following is an entry in ClinVar:

NM_001127222.2(CACNA1A):c.3166C>T (p.Arg1056Cys)

Gene: CACNA1A (calcium voltage-gated channel subunit alpha1 A; minus strand). Cytogenetic location: 19p13.13.
Variant type: single nucleotide variant.
Coding change: c.3166C>T on transcript NM_001127222.2 (MANE Select); coding-DNA position 3166, C replaced by T.
Protein change: p.Arg1056Cys; replaces arginine 1056 with cysteine.
Molecular consequence: missense variant.
Genome position (GRCh38, 1-based): chr19:13,286,890, G>A on the plus strand (C>T on the coding strand, the complement: CACNA1A is on the minus strand). VCF-style: chr19-13286890-G-A. GRCh37 (hg19) VCF-style: chr19-13397704-G-A.
Other names: c.3178C>T, p.Arg1060Cys (NM_000068.4, NM_023035.3); c.3169C>T, p.Arg1057Cys (NM_001127221.2, NM_001174080.2); c.3169C>T (NM_000068.2); short protein forms R1057C, R1056C, R1060C.
Identifiers: ClinVar variation 385634 (VCV000385634.17), dbSNP rs187393245, ClinGen allele CA9240398.

ClinVar aggregate classification (germline): Conflicting classifications of pathogenicity. Review status: criteria provided, conflicting classifications (1 of 4 stars). 4 submissions from 4 submitters: Uncertain significance (2); Benign (2). Last evaluated 2025-12-26.

Conditions:
Inborn genetic diseases. Identifiers: MedGen C0950123, MeSH D030342.
Episodic ataxia type 2 (EA2). Also called: ATAXIA, EPISODIC, WITH NYSTAGMUS; ATAXIA, FAMILIAL PAROXYSMAL; CEREBELLAR ATAXIA, PAROXYSMAL, ACETAZOLAMIDE-RESPONSIVE; CEREBELLOPATHY, HEREDITARY PAROXYSMAL; ACETAZOLAMIDE-RESPONSIVE HEREDITARY PAROXYSMAL CEREBELLAR ATAXIA; EPISODIC ATAXIA, NYSTAGMUS-ASSOCIATED. Identifiers: Orphanet 97, MedGen C1720416, MONDO:0007163, OMIM 108500.
Developmental and epileptic encephalopathy, 42 (DEE42A). Also called: DEVELOPMENTAL AND EPILEPTIC ENCEPHALOPATHY 42A; EPILEPTIC ENCEPHALOPATHY, EARLY INFANTILE, 42A; Epileptic encephalopathy, early infantile, 42. Identifiers: MedGen C4310716, MONDO:0014917, OMIM 617106.

Allele frequency attached by ClinVar (database versions not stated): TOPMed 0.00007; gnomAD 0.00009 and 0.00021; gnomAD exomes 0.00027 and 0.00036; ExAC 0.00034; 1000 Genomes Project 30x 0.00062; 1000 Genomes Project 0.00080.

Submissions (4):

Labcorp Genetics (formerly Invitae), Labcorp
Classification: Benign for Developmental and epileptic encephalopathy, 42; Episodic ataxia type 2. Last evaluated: 2025-12-26. Review status: criteria provided, single submitter. Criteria: Invitae Variant Classification Sherloc (09022015). Collection method: clinical testing. Allele origin: germline.

Athena Diagnostics
Classification: Benign. Last evaluated: 2025-10-28. Review status: criteria provided, single submitter. Criteria: Athena Diagnostics Criteria. Collection method: clinical testing. Allele origin: unknown.
Comment: The frequency of this variant in the general population is higher than would generally be expected for pathogenic variants in this gene. Computational tools predict this amino acid change may be damaging to the protein.

Ambry Genetics
Classification: Uncertain significance for Inborn genetic diseases. Last evaluated: 2017-06-07. Review status: criteria provided, single submitter. Criteria: Ambry Variant Classification Scheme 2023. Collection method: clinical testing. Allele origin: germline.
Comment: The p.R1057C variant (also known as c.3169C>T), located in coding exon 20 of the CACNA1A gene, results from a C to T substitution at nucleotide position 3169. The arginine at codon 1057 is replaced by cysteine, an amino acid with highly dissimilar properties. This amino acid position is well conserved in available vertebrate species. In addition, this alteration is predicted to be deleterious by in silico analysis. Since supporting evidence is limited at this time, the clinical significance of this alteration remains unclear.

GeneDx
Classification: Uncertain significance. Last evaluated: 2016-04-29. Review status: criteria provided, single submitter. Criteria: GeneDx Variant Classification (06012015). Collection method: clinical testing. Allele origin: germline. Affected: yes.
Comment: A variant of uncertain significance has been identified in the CACNA1A gene. The R1057C variant has not been published as a pathogenic variant, nor has it been reported as a benign variant to our knowledge. It was not observed in approximately 5,800 individuals of European and African American ancestry in the NHLBI Exome Sequencing Project. The 1000 Genomes Project reports R1057C was observed in 4/208 (2.0%) alleles from individuals of Japanese background, indicating it may be a rare (benign) variant in this population. The R1057C variant is a non-conservative amino acid substitution, which is likely to impact secondary protein structure as these residues differ in polarity, charge, size and/or other properties. This substitution occurs at a position that is conserved in mammals, and in silico analysis predicts this variant is probably damaging to the protein structure/function. However, missense variants in nearby residues have not been reported in Human Gene Mutation Database in association with CACNA1A-related disorders (Stenson et al., 2014), supporting the functional importance of this region of the protein. Therefore, based on the currently available information, it is unclear whether this variant is a pathogenic variant or a rare benign variant.